The following is an entry in ClinVar:

NM_004183.4(BEST1):c.70T>C (p.Trp24Arg)

Gene: BEST1 (bestrophin 1; plus strand). Cytogenetic location: 11q12.3.
Variant type: single nucleotide variant.
Coding change: c.70T>C on transcript NM_004183.4 (MANE Select); coding-DNA position 70, T replaced by C.
Protein change: p.Trp24Arg; replaces tryptophan 24 with arginine.
Molecular consequence: missense variant. On other transcripts: non-coding transcript variant (1), intron variant (6).
Genome position (GRCh38, 1-based): chr11:61,951,876, T>C. VCF-style: chr11-61951876-T-C. GRCh37 (hg19) VCF-style: chr11-61719348-T-C.
Other names: c.70T>C, p.Trp24Arg (NM_001363592.2, NM_001440571.1, NM_001440572.1 and 1 more transcripts); c.-29+1449T>C (NM_001139443.3, NM_001300787.2, NM_001440574.1 and 3 more transcripts); c.70T>C (NM_004183.3); short protein forms W24R.
Identifiers: ClinVar variation 1056587 (VCV001056587.11), dbSNP rs1334381137, ClinGen allele CA380831459.
Genomic context (GRCh38, chr11:61,951,876, plus strand): 5'-ACTTACACAAGCCAAGTGGCTAATGCCCGCTTAGGCTCCTTCTCCCGCCTGCTGCTGTGC[T>C]GGCGGGGCAGCATCTACAAGCTGCTATATGGCGAGTTCTTAATCTTCCTGCTCTGCTACT-3'
Protein context (NP_004174.1, residues 14-34): LGSFSRLLLC[Trp24Arg]RGSIYKLLYG

ClinVar aggregate classification (germline): Conflicting classifications of pathogenicity. Review status: criteria provided, conflicting classifications (1 of 4 stars). 3 submissions from 3 submitters: Likely pathogenic (1); Uncertain significance (1). 1 of the submissions does not count toward it. Last evaluated 2025-10-03.

Conditions:
BEST1-related disorder. Also called: BEST1-related disorders; BEST1-related condition. Identifiers: MedGen CN239200.
Autosomal recessive bestrophinopathy. Also called: Autosomal Recessive Bestrophinopathy (ARB). Identifiers: Orphanet 139455, MedGen C3888198, MONDO:0012733, OMIM 611809.

Allele frequency attached by ClinVar (database versions not stated): TOPMed below 0.00001; gnomAD exomes 0.00001 and 0.00002.
gnomAD v4.1: 10 of 1,613,546 alleles (0.00062%); highest among the groups gnomAD compares: Admixed American, 0.013%; no homozygotes.

Submissions (3):

Labcorp Genetics (formerly Invitae), Labcorp
Classification: Likely pathogenic. Last evaluated: 2025-10-03. Review status: criteria provided, single submitter. Criteria: Invitae Variant Classification Sherloc (09022015). Collection method: clinical testing. Allele origin: germline.
Comment: This sequence change replaces tryptophan, which is neutral and slightly polar, with arginine, which is basic and polar, at codon 24 of the BEST1 protein (p.Trp24Arg). This variant is present in population databases (no rsID available, gnomAD 0.02%). This missense change has been observed in individual(s) with macular dystrophy (PMID: 35947183). ClinVar contains an entry for this variant (Variation ID: 1056587). Invitae Evidence Modeling of protein sequence and biophysical properties (such as structural, functional, and spatial information, amino acid conservation, physicochemical variation, residue mobility, and thermodynamic stability) indicates that this missense variant is expected to disrupt BEST1 protein function with a positive predictive value of 95%. This variant disrupts the p.Trp24 amino acid residue in BEST1. Other variant(s) that disrupt this residue have been determined to be pathogenic (PMID: 9700209, 21077756, 21878505, 25082885). This suggests that this residue is clinically significant, and that variants that disrupt this residue are likely to be disease-causing. In summary, the currently available evidence indicates that the variant is pathogenic, but additional data are needed to prove that conclusively. Therefore, this variant has been classified as Likely Pathogenic.

PreventionGenetics, part of Exact Sciences
Classification: Uncertain significance for BEST1-related condition. Last evaluated: 2025-05-28. Review status: criteria provided, single submitter. Criteria: ACMG Guidelines, 2015. Collection method: clinical testing. Allele origin: germline.
Comment: The BEST1 c.70T>C variant is predicted to result in the amino acid substitution p.Trp24Arg. This variant was reported in the homozygous state in an individual with suspected bestrophinopathy (Zenteno et al. 2023. PubMed ID: 35947183). This variant is reported in 0.017% of alleles in individuals of Latino descent in gnomAD. At this time, the clinical significance of this variant is uncertain due to the absence of conclusive functional and genetic evidence.

Ophthalmo-Genetics Lab, Instituto de Oftalmologia Conde de Valenciana
Classification: Likely pathogenic for Autosomal recessive bestrophinopathy. Last evaluated: 2022-04-21. Review status: no assertion criteria provided. Collection method: research. Allele origin: de novo. Inheritance: Autosomal recessive inheritance. Affected: yes. Observed: 1 heterozygote. Not counted in ClinVar's aggregate classification.
Comment: Macular disease

Literature cited by the submitters: PubMed 35947183 (cited by Labcorp Genetics (formerly Invitae), Labcorp); PubMed 9700209 (cited by Labcorp Genetics (formerly Invitae), Labcorp); PubMed 21077756 (cited by Labcorp Genetics (formerly Invitae), Labcorp); PubMed 21878505 (cited by Labcorp Genetics (formerly Invitae), Labcorp); PubMed 25082885 (cited by Labcorp Genetics (formerly Invitae), Labcorp); PubMed 30578502 (cited by Ophthalmo-Genetics Lab, Instituto de Oftalmologia Conde de Valenciana).